The following is an entry in ClinVar:

NM_001289104.2(PRKCSH):c.678C>T (p.Asp226=)

Gene: PRKCSH (PRKCSH beta subunit of glucosidase II; plus strand). Cytogenetic location: 19p13.2.
Variant type: single nucleotide variant.
Coding change: c.678C>T on transcript NM_001289104.2 (MANE Select); coding-DNA position 678, C replaced by T.
Protein change: p.Asp226=; no amino-acid change (aspartic acid 226 retained).
Molecular consequence: synonymous variant.
Genome position (GRCh38, 1-based): chr19:11,445,468, C>T. VCF-style: chr19-11445468-C-T. GRCh37 (hg19) VCF-style: chr19-11556283-C-T.
Other names: c.678C>T, p.Asp226= (NM_001001329.3, NM_001289102.2, NM_001289103.2 and 3 more transcripts).
Identifiers: ClinVar variation 889614 (VCV000889614.6), dbSNP rs539988285, ClinGen allele CA9212917.
Genomic context (GRCh38, chr19:11,445,468, plus strand): 5'-GGCCCAACAGGAGCAGGAGCTGGCGGCTGATGCCTTCAAGGAGCTGGATGATGACATGGA[C>T]GGGACGTGAGTGTCCCCTAGTTGGAGCTGCCCACCTTTCCGTGGGCCTGGGTTTCCCTCC-3'
Protein context (NP_001276033.1, residues 216-236): DAFKELDDDM[Asp226=]GTVSVTELQT

ClinVar aggregate classification (germline): Benign/Likely benign. Review status: criteria provided, multiple submitters, no conflicts (2 of 4 stars). 3 submissions from 3 submitters: Benign (2); Likely benign (1). Last evaluated 2025-06-16.

Conditions:
Polycystic liver disease 1 (PCLD1). Also called: Polycystic liver disease 1 with or without kidney cysts. Identifiers: Orphanet 2924, MedGen C0887850, MONDO:0008265, OMIM 174050.

Allele frequency attached by ClinVar (database versions not stated): gnomAD 0.00004 and 0.00011; TOPMed 0.00004; gnomAD exomes 0.00014 and 0.00029; ExAC 0.00031; 1000 Genomes Project 30x 0.00047; 1000 Genomes Project 0.00060.
gnomAD v4.1: 233 of 1,613,954 alleles (0.014%); highest among the groups gnomAD compares: South Asian, 0.19%; no homozygotes.

Submissions (3):

Labcorp Genetics (formerly Invitae), Labcorp
Classification: Benign. Last evaluated: 2025-06-16. Review status: criteria provided, single submitter. Criteria: Invitae Variant Classification Sherloc (09022015). Collection method: clinical testing. Allele origin: germline.

Fulgent Genetics
Classification: Likely benign for Polycystic liver disease 1. Last evaluated: 2021-08-31. Review status: criteria provided, single submitter. Criteria: ACMG Guidelines, 2015. Collection method: clinical testing. Allele origin: unknown.

Illumina Laboratory Services, Illumina
Classification: Benign for Polycystic liver disease 1. Last evaluated: 2018-01-13. Review status: criteria provided, single submitter. Criteria: ICSL Variant Classification Criteria 13 December 2019. Collection method: clinical testing. Allele origin: germline.
Comment: This variant was observed in the ICSL laboratory as part of a predisposition screen in an ostensibly healthy population. It had not been previously curated by ICSL or reported in the Human Gene Mutation Database (HGMD: prior to June 1st, 2018), and was therefore a candidate for classification through an automated scoring system. Utilizing variant allele frequency, disease prevalence and penetrance estimates, and inheritance mode, an automated score was calculated to assess if this variant is too frequent to cause the disease. Based on the score and internal cut-off values, a variant classified as benign is not then subjected to further curation. The score for this variant resulted in a classification of benign for this disease.